The following is an entry in ClinVar:

NM_015338.6(ASXL1):c.891G>A (p.Thr297=)

Gene: ASXL1 (ASXL transcriptional regulator 1; plus strand). Cytogenetic location: 20q11.21.
Variant type: single nucleotide variant.
Coding change: c.891G>A on transcript NM_015338.6 (MANE Select); coding-DNA position 891, G replaced by A.
Protein change: p.Thr297=; no amino-acid change (threonine 297 retained).
Molecular consequence: synonymous variant.
Genome position (GRCh38, 1-based): chr20:32,431,591, G>A. VCF-style: chr20-32431591-G-A. GRCh37 (hg19) VCF-style: chr20-31019394-G-A.
Other names: c.708G>A, p.Thr236= (NM_001363734.1).
Identifiers: ClinVar variation 1622648 (VCV001622648.11), dbSNP rs758987230, ClinGen allele CA9808226.

ClinVar aggregate classification (germline): Likely benign. Review status: criteria provided, multiple submitters, no conflicts (2 of 4 stars). 3 submissions from 3 submitters: Likely benign (2). 1 of the submissions does not count toward it. Last evaluated 2025-07-06.

Conditions:
ASXL1-related disorder. Also called: ASXL1-related condition; ASXL1-related disorders.
Inborn genetic diseases. Identifiers: MedGen C0950123, MeSH D030342.

Allele frequency attached by ClinVar (database versions not stated): ExAC 0.00001; gnomAD exomes 0.00003 and 0.00009; gnomAD 0.00004; TOPMed 0.00006.
gnomAD v4.1: 131 of 1,613,942 alleles (0.0081%); highest among the groups gnomAD compares: Non-Finnish European, 0.011%; no homozygotes.

Submissions (3):

Labcorp Genetics (formerly Invitae), Labcorp
Classification: Likely benign. Last evaluated: 2025-07-06. Review status: criteria provided, single submitter. Criteria: Invitae Variant Classification Sherloc (09022015). Collection method: clinical testing. Allele origin: germline.

Ambry Genetics
Classification: Likely benign for Inborn genetic diseases. Last evaluated: 2024-10-04. Review status: criteria provided, single submitter. Criteria: Ambry Variant Classification Scheme 2023. Collection method: clinical testing. Allele origin: germline.

PreventionGenetics, part of Exact Sciences
Classification: Likely benign for ASXL1-related condition. Last evaluated: 2020-02-14. Review status: no assertion criteria provided. Collection method: clinical testing. Allele origin: germline. Not counted in ClinVar's aggregate classification.
Comment: This variant is classified as likely benign based on ACMG/AMP sequence variant interpretation guidelines (Richards et al. 2015 PMID: 25741868, with internal and published modifications).